The following is an entry in ClinVar:

NM_152383.5(DIS3L2):c.1830C>A (p.His610Gln)

Gene: DIS3L2 (DIS3 like 3'-5' exoribonuclease 2; plus strand). Cytogenetic location: 2q37.1.
Variant type: single nucleotide variant.
Coding change: c.1830C>A on transcript NM_152383.5 (MANE Select); coding-DNA position 1830, C replaced by A.
Protein change: p.His610Gln; replaces histidine 610 with glutamine.
Molecular consequence: missense variant. On other transcripts: non-coding transcript variant (2), intron variant (1).
Genome position (GRCh38, 1-based): chr2:232,329,903, C>A. VCF-style: chr2-232329903-C-A. GRCh37 (hg19) VCF-style: chr2-233194613-C-A.
Other names: c.1582-13442C>A (NM_001257281.2); short protein forms H610Q.
Identifiers: ClinVar variation 2724124 (VCV002724124.3), dbSNP rs1419155757, ClinGen allele CA350976104.

ClinVar aggregate classification (germline): Uncertain significance (1 of 4 stars; one submission).

Conditions:
Perlman syndrome (PRLMNS). Identifiers: Orphanet 2849, MedGen C0796113, MONDO:0009965, OMIM 267000.

gnomAD v4.1: 1 of 1,611,604 alleles (0.000062%); highest among the groups gnomAD compares: Non-Finnish European, 0.000085%; no homozygotes.

Submission:

Labcorp Genetics (formerly Invitae), Labcorp
Classification: Uncertain significance for Perlman syndrome. Last evaluated: 2023-09-14. Review status: criteria provided, single submitter. Criteria: Invitae Variant Classification Sherloc (09022015). Collection method: clinical testing. Allele origin: germline.
Comment: This sequence change replaces histidine, which is basic and polar, with glutamine, which is neutral and polar, at codon 610 of the DIS3L2 protein (p.His610Gln). This variant is not present in population databases (gnomAD no frequency). This variant has not been reported in the literature in individuals affected with DIS3L2-related conditions. Advanced modeling of protein sequence and biophysical properties (such as structural, functional, and spatial information, amino acid conservation, physicochemical variation, residue mobility, and thermodynamic stability) performed at Invitae indicates that this missense variant is not expected to disrupt DIS3L2 protein function. In summary, the available evidence is currently insufficient to determine the role of this variant in disease. Therefore, it has been classified as a Variant of Uncertain Significance.